The following is an entry in ClinVar:

NM_015559.3(SETBP1):c.3383T>A (p.Met1128Lys)

Gene: SETBP1 (SET binding protein 1; plus strand). Cytogenetic location: 18q12.3.
Variant type: single nucleotide variant.
Coding change: c.3383T>A on transcript NM_015559.3 (MANE Select); coding-DNA position 3383, T replaced by A.
Protein change: p.Met1128Lys; replaces methionine 1128 with lysine.
Molecular consequence: missense variant.
Genome position (GRCh38, 1-based): chr18:44,952,723, T>A. VCF-style: chr18-44952723-T-A. GRCh37 (hg19) VCF-style: chr18-42532688-T-A.
Other names: c.3383T>A, p.Met1128Lys (NM_001379141.1, NM_001379142.1, NM_001410862.1); short protein forms M1128K.
Identifiers: ClinVar variation 3659978 (VCV003659978.2).

ClinVar aggregate classification (germline): Uncertain significance (1 of 4 stars; one submission).

Submission:

Labcorp Genetics (formerly Invitae), Labcorp
Classification: Uncertain significance. Last evaluated: 2024-07-19. Review status: criteria provided, single submitter. Criteria: Invitae Variant Classification Sherloc (09022015). Collection method: clinical testing. Allele origin: germline.
Comment: This sequence change replaces methionine, which is neutral and non-polar, with lysine, which is basic and polar, at codon 1128 of the SETBP1 protein (p.Met1128Lys). This variant is not present in population databases (gnomAD no frequency). This variant has not been reported in the literature in individuals affected with SETBP1-related conditions. Advanced modeling of protein sequence and biophysical properties (such as structural, functional, and spatial information, amino acid conservation, physicochemical variation, residue mobility, and thermodynamic stability) performed at Invitae indicates that this missense variant is not expected to disrupt SETBP1 protein function with a negative predictive value of 80%. In summary, the available evidence is currently insufficient to determine the role of this variant in disease. Therefore, it has been classified as a Variant of Uncertain Significance.